The following is an entry in ClinVar:

NM_000256.3(MYBPC3):c.3641G>C (p.Trp1214Ser)

Gene: MYBPC3 (myosin binding protein C3; minus strand). Cytogenetic location: 11p11.2.
Variant type: single nucleotide variant.
Coding change: c.3641G>C on transcript NM_000256.3 (MANE Select); coding-DNA position 3641, G replaced by C.
Protein change: p.Trp1214Ser; replaces tryptophan 1214 with serine.
Molecular consequence: missense variant.
Genome position (GRCh38, 1-based): chr11:47,332,245, C>G on the plus strand (G>C on the coding strand, the complement: MYBPC3 is on the minus strand). VCF-style: chr11-47332245-C-G. GRCh37 (hg19) VCF-style: chr11-47353796-C-G.
Other names: short protein forms W1214S.
Identifiers: ClinVar variation 2036135 (VCV002036135.4), dbSNP rs730880597, ClinGen allele CA380311913.
Genomic context (GRCh38, chr11:47,332,245, plus strand): 5'-CCCTGCTTGCTGAACATGCGGAAGCGGGCGTCTTCTCCCAGGTCCAGGCCATTCTTGAAC[C>G]AGGAAATCTTGGGCTATAAATAAGGTAAAGAGAGGGAGGGAAGCCATCCAGGCTGAGAGG-3'
Protein context (NP_000247.2, residues 1204-1224): VRGSPKPKIS[Trp1214Ser]FKNGLDLGED

ClinVar aggregate classification (germline): Uncertain significance (1 of 4 stars; one submission).

Conditions:
Hypertrophic cardiomyopathy. Also called: HYPERTROPHIC MYOCARDIOPATHY. Identifiers: Orphanet 217569, MedGen C0007194, MeSH D002312, MONDO:0005045, HP:0001639.

Submission:

Labcorp Genetics (formerly Invitae), Labcorp
Classification: Uncertain significance for Hypertrophic cardiomyopathy. Last evaluated: 2022-10-19. Review status: criteria provided, single submitter. Criteria: Invitae Variant Classification Sherloc (09022015). Collection method: clinical testing. Allele origin: germline.
Comment: This sequence change replaces tryptophan, which is neutral and slightly polar, with serine, which is neutral and polar, at codon 1214 of the MYBPC3 protein (p.Trp1214Ser). This variant is not present in population databases (gnomAD no frequency). This variant has not been reported in the literature in individuals affected with MYBPC3-related conditions. Algorithms developed to predict the effect of missense changes on protein structure and function (SIFT, PolyPhen-2, Align-GVGD) all suggest that this variant is likely to be disruptive. This variant disrupts the p.Trp1214 amino acid residue in MYBPC3. Other variant(s) that disrupt this residue have been observed in individuals with MYBPC3-related conditions (PMID: 33782553; Invitae), which suggests that this may be a clinically significant amino acid residue. In summary, the available evidence is currently insufficient to determine the role of this variant in disease. Therefore, it has been classified as a Variant of Uncertain Significance.

Literature cited by the submitters: PubMed 33782553.